The following is an entry in ClinVar:

NM_005188.4(CBL):c.1195C>T (p.Leu399Phe)

Gene: CBL (Cbl proto-oncogene; plus strand). Cytogenetic location: 11q23.3.
Variant type: single nucleotide variant.
Coding change: c.1195C>T on transcript NM_005188.4 (MANE Select); coding-DNA position 1195, C replaced by T.
Protein change: p.Leu399Phe; replaces leucine 399 with phenylalanine.
Molecular consequence: missense variant.
Genome position (GRCh38, 1-based): chr11:119,278,265, C>T. VCF-style: chr11-119278265-C-T. GRCh37 (hg19) VCF-style: chr11-119148975-C-T.
Other names: short protein forms L399F.
Identifiers: ClinVar variation 1677605 (VCV001677605.2), dbSNP rs2135303846, ClinGen allele CA382912761.

ClinVar aggregate classification (germline): Uncertain significance. Review status: criteria provided, multiple submitters, no conflicts (2 of 4 stars). 2 submissions from 2 submitters: Uncertain significance (2). Last evaluated 2026-01-14.

Conditions:
RASopathy. Also called: Noonan spectrum disorder; rasopathies. Identifiers: Orphanet 536391, MedGen C5555857, MONDO:0021060.

Submissions (2):

Labcorp Genetics (formerly Invitae), Labcorp
Classification: Uncertain significance for RASopathy. Last evaluated: 2026-01-14. Review status: criteria provided, single submitter. Criteria: Invitae Variant Classification Sherloc (09022015). Collection method: clinical testing. Allele origin: germline.
Comment: This sequence change replaces leucine, which is neutral and non-polar, with phenylalanine, which is neutral and non-polar, at codon 399 of the CBL protein (p.Leu399Phe). This variant is not present in population databases (gnomAD no frequency). This variant has not been reported in the literature in individuals affected with CBL-related conditions. ClinVar contains an entry for this variant (Variation ID: 1677605). Invitae Evidence Modeling of protein sequence and biophysical properties (such as structural, functional, and spatial information, amino acid conservation, physicochemical variation, residue mobility, and thermodynamic stability) indicates that this missense variant is expected to disrupt CBL protein function with a positive predictive value of 95%. In summary, the available evidence is currently insufficient to determine the role of this variant in disease. Therefore, it has been classified as a Variant of Uncertain Significance.

AiLife Diagnostics
Classification: Uncertain significance. Last evaluated: 2021-10-27. Review status: criteria provided, single submitter. Criteria: ACMG Guidelines, 2015. Collection method: clinical testing. Allele origin: germline. Affected: yes. Observed: 1 variant allele.